The following is an entry in ClinVar:

NM_004655.4(AXIN2):c.344A>G (p.Asn115Ser)

Gene: AXIN2 (axin 2; minus strand). Cytogenetic location: 17q24.1.
Variant type: single nucleotide variant.
Coding change: c.344A>G on transcript NM_004655.4 (MANE Select); coding-DNA position 344, A replaced by G.
Protein change: p.Asn115Ser; replaces asparagine 115 with serine.
Molecular consequence: missense variant.
Genome position (GRCh38, 1-based): chr17:65,558,277, T>C on the plus strand (A>G on the coding strand, the complement: AXIN2 is on the minus strand). VCF-style: chr17-65558277-T-C. GRCh37 (hg19) VCF-style: chr17-63554395-T-C.
Other names: c.344A>G (LRG_296t1); c.344A>G, p.Asn115Ser (NM_001363813.1); short protein forms N115S.
Identifiers: ClinVar variation 240020 (VCV000240020.53), dbSNP rs370257532, ClinGen allele CA8719064.

ClinVar aggregate classification (germline): Conflicting classifications of pathogenicity. Review status: criteria provided, conflicting classifications (1 of 4 stars). 6 submissions from 6 submitters: Uncertain significance (4); Benign (1); Likely benign (1). Last evaluated 2026-02-11.

Conditions:
Hereditary cancer-predisposing syndrome. Also called: Tumor predisposition; Hereditary Cancer Syndrome; Neoplastic Syndromes, Hereditary; Hereditary neoplastic syndrome. Identifiers: Orphanet 140162, MedGen C0027672, MeSH D009386, MONDO:0015356.
Oligodontia-cancer predisposition syndrome. Also called: TOOTH AGENESIS-COLORECTAL CANCER SYNDROME. Identifiers: Orphanet 300576, MedGen C1837750, MONDO:0012075, OMIM 608615. Disease mechanism: loss of function.

Allele frequency attached by ClinVar (database versions not stated): gnomAD exomes 0.00002 and 0.00005; ExAC 0.00007; ESP Exome Variant Server 0.00008; gnomAD 0.00013 and 0.00015; TOPMed 0.00024.
gnomAD v4.1: 48 of 1,614,170 alleles (0.003%); highest among the groups gnomAD compares: African/African-American, 0.032%; no homozygotes.

Submissions (6):

St. Jude Molecular Pathology, St. Jude Children's Research Hospital
Classification: Uncertain significance for Oligodontia-cancer predisposition syndrome. Last evaluated: 2026-02-11. Review status: criteria provided, single submitter. Criteria: St. Jude Assertion Criteria 2020. Collection method: clinical testing. Allele origin: germline.
Comment: The AXIN2 c.344A>G p.(Asn115Ser) missense change has a maximum subpopulation frequency of 0.056% in gnomAD v2.1.1. The in silico tool REVEL predicts a benign effect on protein function, but to our knowledge this prediction has not been confirmed by functional studies. To our knowledge, this variant has not been reported in individuals with oligodontia-cancer predisposition syndrome. In summary, the evidence currently available is insufficient to determine the clinical significance of this variant. It has therefore been classified as of uncertain significance.

Labcorp Genetics (formerly Invitae), Labcorp
Classification: Uncertain significance for Oligodontia-cancer predisposition syndrome. Last evaluated: 2026-01-28. Review status: criteria provided, single submitter. Criteria: Invitae Variant Classification Sherloc (09022015). Collection method: clinical testing. Allele origin: germline.
Comment: This sequence change replaces asparagine, which is neutral and polar, with serine, which is neutral and polar, at codon 115 of the AXIN2 protein (p.Asn115Ser). This variant is present in population databases (rs370257532, gnomAD 0.06%), and has an allele count higher than expected for a pathogenic variant. This variant has not been reported in the literature in individuals affected with AXIN2-related conditions. ClinVar contains an entry for this variant (Variation ID: 240020). Invitae Evidence Modeling of protein sequence and biophysical properties (such as structural, functional, and spatial information, amino acid conservation, physicochemical variation, residue mobility, and thermodynamic stability) indicates that this missense variant is not expected to disrupt AXIN2 protein function with a negative predictive value of 80%. In summary, the available evidence is currently insufficient to determine the role of this variant in disease. Therefore, it has been classified as a Variant of Uncertain Significance.

GeneDx
Classification: Uncertain significance. Last evaluated: 2024-07-02. Review status: criteria provided, single submitter. Criteria: GeneDx Variant Classification Process June 2021. Collection method: clinical testing. Allele origin: germline. Affected: yes.
Comment: In silico analysis indicates that this missense variant does not alter protein structure/function; Observed in individuals with a personal of breast cancer and or family history of colorectal cancer (PMID: 29458332); This variant is associated with the following publications: (PMID: 15735151, 29458332)

Ambry Genetics
Classification: Benign for Hereditary cancer-predisposing syndrome. Last evaluated: 2024-03-29. Review status: criteria provided, single submitter. Criteria: Ambry Variant Classification Scheme 2023. Collection method: clinical testing. Allele origin: germline.

Quest Diagnostics Nichols Institute San Juan Capistrano
Classification: Likely benign. Last evaluated: 2023-02-06. Review status: criteria provided, single submitter. Criteria: Quest Diagnostics criteria. Collection method: clinical testing. Allele origin: unknown.

CeGaT Center for Human Genetics Tuebingen
Classification: Uncertain significance. Last evaluated: 2022-03-01. Review status: criteria provided, single submitter. Criteria: CeGaT Center For Human Genetics Tuebingen Variant Classification Criteria Version 2. Collection method: clinical testing. Allele origin: germline. Affected: yes. Observed: 1 variant allele.

Literature cited by the submitters: PubMed 29458332 (cited by Quest Diagnostics Nichols Institute San Juan Capistrano).